The following is an entry in ClinVar:

NC_000021.8:g.(?_45752896)_(45753165_?)del

Gene: CFAP410 (cilia and flagella associated protein 410; minus strand). Cytogenetic location: 21q22.3.
Variant type: Deletion.
Identifiers: ClinVar variation 1456033 (VCV001456033.6).

ClinVar aggregate classification (germline): Pathogenic (1 of 4 stars; one submission).

Submission:

Labcorp Genetics (formerly Invitae), Labcorp
Classification: Pathogenic. Last evaluated: 2022-11-01. Review status: criteria provided, single submitter. Criteria: Invitae Variant Classification Sherloc (09022015). Collection method: clinical testing. Allele origin: germline.
Comment: For these reasons, this variant has been classified as Pathogenic. This variant has not been reported in the literature in individuals affected with CFAP410-related conditions. This variant is a gross deletion of the genomic region encompassing exon(s) 4 of the CFAP410 gene. This deletion is out-of-frame, and is expected to create a premature termination codon and result in an absent or disrupted protein product. Loss-of-function variants in CFAP410 are known to be pathogenic (PMID: 23105016, 26167768).

Literature cited by the submitters: PubMed 23105016; PubMed 26167768.